The following is an entry in ClinVar:

ClinVar aggregate classification (germline): Uncertain significance (1 of 4 stars; one submission).

Allele frequency attached by ClinVar (database versions not stated): gnomAD exomes below 0.00001.
gnomAD v4.1: 1 of 1,596,842 alleles (0.000063%); highest among the groups gnomAD compares: Non-Finnish European, 0.000085%; no homozygotes.

Submission:

Labcorp Genetics (formerly Invitae), Labcorp
Classification: Uncertain significance. Last evaluated: 2023-11-22. Review status: criteria provided, single submitter. Criteria: Invitae Variant Classification Sherloc (09022015). Collection method: clinical testing. Allele origin: germline.
Comment: This sequence change replaces serine, which is neutral and polar, with threonine, which is neutral and polar, at codon 2442 of the CHD8 protein (p.Ser2442Thr). This variant is present in population databases (no rsID available, gnomAD 0.001%). This variant has not been reported in the literature in individuals affected with CHD8-related conditions. An algorithm developed to predict the effect of missense changes on protein structure and function (PolyPhen-2) suggests that this variant is likely to be tolerated. In summary, the available evidence is currently insufficient to determine the role of this variant in disease. Therefore, it has been classified as a Variant of Uncertain Significance.

NM_001170629.2(CHD8):c.7324T>A (p.Ser2442Thr)

Gene: CHD8 (chromodomain helicase DNA binding protein 8; minus strand). Cytogenetic location: 14q11.2.
Variant type: single nucleotide variant.
Coding change: c.7324T>A on transcript NM_001170629.2 (MANE Select); coding-DNA position 7324, T replaced by A.
Protein change: p.Ser2442Thr; replaces serine 2442 with threonine.
Molecular consequence: missense variant.
Genome position (GRCh38, 1-based): chr14:21,386,035, A>T on the plus strand (T>A on the coding strand, the complement: CHD8 is on the minus strand). VCF-style: chr14-21386035-A-T. GRCh37 (hg19) VCF-style: chr14-21854194-A-T.
Other names: c.6487T>A, p.Ser2163Thr (NM_020920.4); short protein forms S2442T, S2163T.
Identifiers: ClinVar variation 2698180 (VCV002698180.3), dbSNP rs1291758729, ClinGen allele CA388875419.
Genomic context (GRCh38, chr14:21,386,035, plus strand): 5'-GACCCAAAGATGACACAGACTGTAGGCCACTACTGCTGTGTTGGAACGTGTTATGCAGAG[A>T]TAGAGACCCAGTGCTTCCACCCTGCATGAGGGCCATCATCTTAGAAAGGTCTGGTCGCAT-3'
Protein context (NP_001164100.1, residues 2432-2452): LMQGGSTGSL[Ser2442Thr]LHNTFQHSSS